The following is an entry in ClinVar:

ClinVar aggregate classification (germline): Conflicting classifications of pathogenicity. Review status: criteria provided, conflicting classifications (1 of 4 stars). 2 submissions from 2 submitters: Likely pathogenic (1); Uncertain significance (1). Last evaluated 2026-05-06.

Conditions:
Hereditary cancer-predisposing syndrome. Also called: Tumor predisposition; Hereditary Cancer Syndrome; Neoplastic Syndromes, Hereditary; Hereditary neoplastic syndrome. Identifiers: Orphanet 140162, MedGen C0027672, MeSH D009386, MONDO:0015356.

Submissions (2):

Ambry Genetics
Classification: Likely pathogenic for Hereditary cancer-predisposing syndrome. Last evaluated: 2026-05-06. Review status: criteria provided, single submitter. Criteria: Ambry Variant Classification Scheme 2023. Collection method: clinical testing. Allele origin: germline.
Comment: The p.S347F variant (also known as c.1040C>T), located in coding exon 7 of the FH gene, results from a C to T substitution at nucleotide position 1040. The serine at codon 347 is replaced by phenylalanine, an amino acid with highly dissimilar properties. This variant was reported in individual(s) with features consistent with FH-related tumor predisposition (Ambry internal data). This variant is considered to be rare based on population cohorts in the Genome Aggregation Database (gnomAD). This amino acid position is highly conserved in available vertebrate species. In addition, this alteration is predicted to be deleterious by in silico analysis. Based on the majority of available evidence to date, this variant is likely to be pathogenic.

Labcorp Genetics (formerly Invitae), Labcorp
Classification: Uncertain significance. Last evaluated: 2023-12-01. Review status: criteria provided, single submitter. Criteria: Invitae Variant Classification Sherloc (09022015). Collection method: clinical testing. Allele origin: germline.
Comment: This sequence change replaces serine, which is neutral and polar, with phenylalanine, which is neutral and non-polar, at codon 347 of the FH protein (p.Ser347Phe). This variant is not present in population databases (gnomAD no frequency). This variant has not been reported in the literature in individuals affected with FH-related conditions. ClinVar contains an entry for this variant (Variation ID: 652353). Advanced modeling of protein sequence and biophysical properties (such as structural, functional, and spatial information, amino acid conservation, physicochemical variation, residue mobility, and thermodynamic stability) performed at Invitae indicates that this missense variant is expected to disrupt FH protein function with a positive predictive value of 95%. In summary, the available evidence is currently insufficient to determine the role of this variant in disease. Therefore, it has been classified as a Variant of Uncertain Significance.

NM_000143.4(FH):c.1040C>T (p.Ser347Phe)

Gene: FH (fumarate hydratase; minus strand). Cytogenetic location: 1q43.
Variant type: single nucleotide variant.
Coding change: c.1040C>T on transcript NM_000143.4 (MANE Select); coding-DNA position 1040, C replaced by T.
Protein change: p.Ser347Phe; replaces serine 347 with phenylalanine.
Molecular consequence: missense variant.
Genome position (GRCh38, 1-based): chr1:241,504,110, G>A on the plus strand (C>T on the coding strand, the complement: FH is on the minus strand). VCF-style: chr1-241504110-G-A. GRCh37 (hg19) VCF-style: chr1-241667410-G-A.
Other names: short protein forms S347F.
Identifiers: ClinVar variation 652353 (VCV000652353.10), dbSNP rs1573880377, ClinGen allele CA345438166.